The following is an entry in ClinVar:

NC_000016.9:g.(?_68710268)_(68713897_?)dup

Gene: CDH3 (cadherin 3; plus strand). Cytogenetic location: 16q22.1.
Variant type: Duplication.
Identifiers: ClinVar variation 1506131 (VCV001506131.5).

ClinVar aggregate classification (germline): Likely pathogenic (1 of 4 stars; one submission).

Submission:

Labcorp Genetics (formerly Invitae), Labcorp
Classification: Likely pathogenic. Last evaluated: 2023-09-05. Review status: criteria provided, single submitter. Criteria: Invitae Variant Classification Sherloc (09022015). Collection method: clinical testing. Allele origin: germline.
Comment: This variant results in a copy number gain of the genomic region encompassing exon(s) 3-7 of the CDH3 gene. While the exact position of this variant cannot be determined from the data, sub-genic copy number gains are generally in tandem (PMID: 25640679). This variant is predicted to be out-of-frame, and may result in an absent or disrupted protein product. Loss-of-function variants in CDH3 are known to be pathogenic (PMID: 15805154, 27386845, 29620724). This variant has not been reported in the literature in individuals affected with CDH3-related conditions. In summary, the currently available evidence indicates that the variant is pathogenic, but additional data are needed to prove that conclusively. Therefore, this variant has been classified as Likely Pathogenic.

Literature cited by the submitters: PubMed 25640679; PubMed 15805154; PubMed 27386845; PubMed 29620724.